The following is an entry in ClinVar:

ClinVar aggregate classification (germline): Likely benign. Review status: criteria provided, multiple submitters, no conflicts (2 of 4 stars). 2 submissions from 2 submitters: Likely benign (2). Last evaluated 2023-12-13.

Conditions:
Catecholaminergic polymorphic ventricular tachycardia (CVPT). Also called: Catecholamine-induced polymorphic ventricular tachycardia. Identifiers: Orphanet 3286, MedGen C5574922, MONDO:0017990.
Catecholaminergic polymorphic ventricular tachycardia 1. Also called: VENTRICULAR TACHYCARDIA, CATECHOLAMINERGIC POLYMORPHIC, 1, WITH OR WITHOUT ATRIAL DYSFUNCTION AND/OR DILATED CARDIOMYOPATHY; RYR2-Related Catecholaminergic Polymorphic Ventricular Tachycardia; VENTRICULAR TACHYCARDIA, STRESS-INDUCED POLYMORPHIC 1. Identifiers: Orphanet 3286, MedGen C1631597, MONDO:0011484, OMIM 604772.

Submissions (2):

All of Us Research Program, National Institutes of Health
Classification: Likely benign for Catecholaminergic polymorphic ventricular tachycardia. Last evaluated: 2023-12-13. Review status: criteria provided, single submitter. Criteria: ACMG Guidelines, 2015. Collection method: clinical testing. Allele origin: germline. Inheritance: Autosomal dominant inheritance. Observed: 1 variant allele, 1 heterozygote.
Comment: This study involves interpretation of variants in research participants for the purpose of population health screening. Participant phenotype was not available at the time of variant classification. Additional details can be found in publication PMID: 35346344, PMCID: PMC8962531

Labcorp Genetics (formerly Invitae), Labcorp
Classification: Likely benign for Catecholaminergic polymorphic ventricular tachycardia 1. Last evaluated: 2023-10-10. Review status: criteria provided, single submitter. Criteria: Invitae Variant Classification Sherloc (09022015). Collection method: clinical testing. Allele origin: germline.

NM_001035.3(RYR2):c.11505C>T (p.Phe3835=)

Gene: RYR2 (ryanodine receptor 2; plus strand). Cytogenetic location: 1q43.
Variant type: single nucleotide variant.
Coding change: c.11505C>T on transcript NM_001035.3 (MANE Select); coding-DNA position 11505, C replaced by T.
Protein change: p.Phe3835=; no amino-acid change (phenylalanine 3835 retained).
Molecular consequence: synonymous variant.
Genome position (GRCh38, 1-based): chr1:237,770,835, C>T. VCF-style: chr1-237770835-C-T. GRCh37 (hg19) VCF-style: chr1-237934135-C-T.
Identifiers: ClinVar variation 2027664 (VCV002027664.5), dbSNP rs1380562397, ClinGen allele CA423822307.